The following is an entry in ClinVar:

ClinVar aggregate classification (germline): Benign/Likely benign. Review status: criteria provided, multiple submitters, no conflicts (2 of 4 stars). 14 submissions from 14 submitters: Benign (9); Likely benign (3). 2 of the submissions do not count toward it. Last evaluated 2026-02-04.

Conditions:
Hereditary cancer-predisposing syndrome. Also called: Neoplastic Syndromes, Hereditary; Hereditary Cancer Syndrome; Tumor predisposition; Hereditary neoplastic syndrome. Identifiers: Orphanet 140162, MedGen C0027672, MeSH D009386, MONDO:0015356.
Familial cutaneous telangiectasia and oropharyngeal predisposition cancer syndrome. Identifiers: Orphanet 313846, MedGen C3281203, MONDO:0013806, OMIM 614564.
Seckel syndrome 1 (SCKL1). Also called: MICROCEPHALIC PRIMORDIAL DWARFISM I. Identifiers: Orphanet 808, MedGen C4551474, MONDO:0008869, OMIM 210600.

Allele frequency attached by ClinVar (database versions not stated): gnomAD exomes 0.54643 and 0.57151; ExAC 0.55292; 1000 Genomes Project 0.59804; 1000 Genomes Project 30x 0.60228; gnomAD 0.62616 and 0.63717; TOPMed 0.63370; ESP Exome Variant Server 0.66300.
gnomAD v4.1: 928,300 of 1,609,390 alleles (58%); highest among the groups gnomAD compares: African/African-American, 80%; 272,130 homozygotes.

Submissions (14):

Labcorp Genetics (formerly Invitae), Labcorp
Classification: Benign. Last evaluated: 2026-02-04. Review status: criteria provided, single submitter. Criteria: Invitae Variant Classification Sherloc (09022015). Collection method: clinical testing. Allele origin: germline.

GeneKor MSA
Classification: Benign for Hereditary cancer-predisposing syndrome. Last evaluated: 2025-07-10. Review status: criteria provided, single submitter. Criteria: ACMG Guidelines, 2015. Collection method: clinical testing. Allele origin: germline.

Blueprint Genetics
Classification: Likely benign. Last evaluated: 2024-11-26. Review status: criteria provided, single submitter. Criteria: ACMG Guidelines, 2015. Collection method: clinical testing. Allele origin: germline.

KCCC/NGS Laboratory, Kuwait Cancer Control Center
Classification: Benign for Familial cutaneous telangiectasia and oropharyngeal predisposition cancer syndrome. Last evaluated: 2023-07-07. Review status: criteria provided, single submitter. Criteria: ACMG Guidelines, 2015. Collection method: clinical testing. Allele origin: germline. Affected: yes.

Genome-Nilou Lab
Classification: Benign for Seckel syndrome 1. Last evaluated: 2021-07-14. Review status: criteria provided, single submitter. Criteria: ACMG Guidelines, 2015. Collection method: clinical testing. Allele origin: germline. Affected: no.

Illumina Laboratory Services, Illumina
Classification: Benign for Seckel syndrome 1. Last evaluated: 2018-01-13. Review status: criteria provided, single submitter. Criteria: ICSL Variant Classification Criteria 13 December 2019. Collection method: clinical testing. Allele origin: germline.
Comment: This variant was observed in the ICSL laboratory as part of a predisposition screen in an ostensibly healthy population. It had not been previously curated by ICSL or reported in the Human Gene Mutation Database (HGMD: prior to June 1st, 2018), and was therefore a candidate for classification through an automated scoring system. Utilizing variant allele frequency, disease prevalence and penetrance estimates, and inheritance mode, an automated score was calculated to assess if this variant is too frequent to cause the disease. Based on the score and internal cut-off values, a variant classified as benign is not then subjected to further curation. The score for this variant resulted in a classification of benign for this disease.

Women's Health and Genetics/Laboratory Corporation of America, LabCorp
Classification: Benign. Last evaluated: 2016-04-27. Review status: criteria provided, single submitter. Criteria: LabCorp Variant Classification Summary - May 2015. Collection method: clinical testing. Allele origin: germline.
Comment: Variant summary: The c.1776T>A variant involves the alteration of a non-conserved nucleotide resulting in a synonymous change. 4/4 in silico tools via Alamut predict the variant to eliminate a cryptic splice donor site, thereby potential resulting in a protective effect on normal splicing. The variant was observed in the large, broad control population, ExAC, with an allele frequency of 55% which includes 19,239 homozygous occurrences. Therefore this synonymous variant is the major allele and has been classified as Benign.

Laboratory for Molecular Medicine, Mass General Brigham Personalized Medicine
Classification: Benign. Last evaluated: 2016-03-28. Review status: criteria provided, single submitter. Criteria: LMM Criteria. Collection method: clinical testing. Allele origin: germline.
Comment: Variant identified in a genome or exome case(s) and assessed due to predicted null impact of the variant or pathogenic assertions in the literature or databases. Disclaimer: This variant has not undergone full assessment. The following are preliminary notes: Frequency

GeneDx
Classification: Benign. Last evaluated: 2015-03-03. Review status: criteria provided, single submitter. Criteria: GeneDx Variant Classification Process June 2021. Collection method: clinical testing. Allele origin: germline. Affected: yes.

Eurofins Ntd Llc (ga)
Classification: Benign. Last evaluated: 2013-12-20. Review status: criteria provided, single submitter. Criteria: EGL Classification Definitions 2015. Collection method: clinical testing. Allele origin: germline. Observed: 2 variant alleles, 1 heterozygote, 1 homozygote.

Genetic Services Laboratory, University of Chicago
Classification: Likely benign. Last evaluated: 2013-04-25. Review status: criteria provided, single submitter. Criteria: ACMG Guidelines, 2007. Collection method: clinical testing. Allele origin: germline. Inheritance: Autosomal recessive inheritance.
Comment: Likely benign based on allele frequency in 1000 Genomes Project or ESP global frequency and its presence in a patient with a rare or unrelated disease phenotype. NOT Sanger confirmed

Breakthrough Genomics
Classification: Likely benign. Review status: criteria provided, single submitter. Criteria: ACMG Guidelines, 2015. Collection method: not provided. Allele origin: germline. Inheritance: Autosomal recessive inheritance. Affected: yes.

Clinical Genetics DNA and cytogenetics Diagnostics Lab, Erasmus MC, Erasmus Medical Center
Classification: Benign. Review status: no assertion criteria provided. Collection method: clinical testing. Allele origin: germline. Affected: yes. Study: VKGL Data-share Consensus. Not counted in ClinVar's aggregate classification.

Diagnostic Laboratory, Department of Genetics, University Medical Center Groningen
Classification: Benign. Review status: no assertion criteria provided. Collection method: clinical testing. Allele origin: germline. Affected: yes. Study: VKGL Data-share Consensus. Not counted in ClinVar's aggregate classification.

NM_001184.4(ATR):c.1776T>A (p.Gly592=)

Gene: ATR (ATR checkpoint kinase; minus strand). Cytogenetic location: 3q23.
Variant type: single nucleotide variant.
Coding change: c.1776T>A on transcript NM_001184.4 (MANE Select); coding-DNA position 1776, T replaced by A.
Protein change: p.Gly592=; no amino-acid change (glycine 592 retained).
Molecular consequence: synonymous variant.
Genome position (GRCh38, 1-based): chr3:142,558,733, A>T on the plus strand (T>A on the coding strand, the complement: ATR is on the minus strand). VCF-style: chr3-142558733-A-T. GRCh37 (hg19) VCF-style: chr3-142277575-A-T.
Other names: c.1584T>A, p.Gly528= (NM_001354579.2).
Identifiers: ClinVar variation 157965 (VCV000157965.35), dbSNP rs2227930, ClinGen allele CA171340.